The following is an entry in ClinVar:

NM_001267550.2(TTN):c.63255G>A (p.Trp21085Ter)

Genes: TTN (titin; minus strand), TTN-AS1 (TTN antisense RNA 1; plus strand). Cytogenetic location: 2q31.2.
Variant type: single nucleotide variant.
Coding change: c.63255G>A on transcript NM_001267550.2 (MANE Select); coding-DNA position 63255, G replaced by A.
Protein change: p.Trp21085Ter; replaces tryptophan 21085 with a stop codon.
Molecular consequence: nonsense.
Genome position (GRCh38, 1-based): chr2:178,588,152, C>T on the plus strand (G>A on the coding strand, the complement: TTN is on the minus strand). VCF-style: chr2-178588152-C-T. GRCh37 (hg19) VCF-style: chr2-179452879-C-T.
Other names: c.63255G>A (NM_001267550.1); c.58332G>A, p.Trp19444Ter (NM_001256850.1); c.36060G>A, p.Trp12020Ter (NM_003319.4); c.55551G>A, p.Trp18517Ter (NM_133378.4); c.36435G>A, p.Trp12145Ter (NM_133432.3); c.36636G>A, p.Trp12212Ter (NM_133437.4); short protein forms W21085*, W12020*, W12212*, W18517*, W12145*, W19444*.
Identifiers: ClinVar variation 534991 (VCV000534991.10), dbSNP rs1553638539, ClinGen allele CA349454778.

ClinVar aggregate classification (germline): Pathogenic/Likely pathogenic. Review status: criteria provided, multiple submitters, no conflicts (2 of 4 stars). 2 submissions from 2 submitters: Pathogenic (1); Likely pathogenic (1). Last evaluated 2026-01-22.

Conditions:
Dilated cardiomyopathy 1G (CMD1G). Identifiers: Orphanet 154, MedGen C1858763, MONDO:0011400, OMIM 604145.
Autosomal recessive limb-girdle muscular dystrophy type 2J (LGMDR10). Also called: Limb-girdle muscular dystrophy, type 2J; MUSCULAR DYSTROPHY, LIMB-GIRDLE, AUTOSOMAL RECESSIVE 10. Identifiers: Orphanet 140922, MedGen C1837342, MONDO:0012127, OMIM 608807.

Submissions (2):

GeneDx
Classification: Pathogenic. Last evaluated: 2026-01-22. Review status: criteria provided, single submitter. Criteria: GeneDx Variant Classification Process June 2021. Collection method: clinical testing. Allele origin: germline.
Comment: Nonsense variant predicted to result in protein truncation or nonsense mediated decay in a gene for which loss of function is a known mechanism of disease; Not observed at significant frequency in large population cohorts (gnomAD); Located in the A-band, a region of TTN for which truncating variants are significantly associated with autosomal dominant cardiomyopathy and also with autosomal recessive skeletal myopathies (PMID: 22335739, 32778822); Has not been previously published as pathogenic or benign to our knowledge; This variant is associated with the following publications: (PMID: 22335739, 32778822)

Labcorp Genetics (formerly Invitae), Labcorp
Classification: Likely pathogenic for Dilated cardiomyopathy 1G; Autosomal recessive limb-girdle muscular dystrophy type 2J. Last evaluated: 2017-11-21. Review status: criteria provided, single submitter. Criteria: Invitae Variant Classification Sherloc (09022015). Collection method: clinical testing. Allele origin: germline.
Comment: In summary, the currently available evidence indicates that the variant is pathogenic, but additional data are needed to prove that conclusively. Therefore, this variant has been classified as Likely Pathogenic. This variant is found in the A-band of this gene. While this particular variant has not been reported in the literature, truncating variants in the A-band of TTN are significantly overrepresented in patients with dilated cardiomyopathy and are considered to be likely pathogenic for the disease (PMID: 25589632). This variant has not been reported in the literature in individuals with TTN-related disease. This variant is not present in population databases (ExAC no frequency). This sequence change results in a premature translational stop signal in the TTN gene (p.Trp21085*). While this is not anticipated to result in nonsense mediated decay, it is expected to delete the last 14,907 amino acids of the TTN protein.

Literature cited by the submitters: PubMed 25589632 (cited by Labcorp Genetics (formerly Invitae), Labcorp).